The following is an entry in ClinVar:

NM_172364.5(CACNA2D4):c.2793-2A>G

Gene: CACNA2D4 (calcium voltage-gated channel auxiliary subunit alpha2delta 4; minus strand). Cytogenetic location: 12p13.33.
Variant type: single nucleotide variant.
Coding change: c.2793-2A>G on transcript NM_172364.5 (MANE Select); the canonical splice acceptor site of the intron before coding-DNA position 2793, A replaced by G.
Molecular consequence: splice acceptor variant.
Genome position (GRCh38, 1-based): chr12:1,801,120, T>C on the plus strand (A>G on the coding strand, the complement: CACNA2D4 is on the minus strand). VCF-style: chr12-1801120-T-C. GRCh37 (hg19) VCF-style: chr12-1910286-T-C.
Identifiers: ClinVar variation 4717348 (VCV004717348.1).
Genomic context (GRCh38, chr12:1,801,120, plus strand): 5'-CTGCACTGTGGTGGTGACTCGAGGGTTTGCACATGGCCTGATAGTCATACATAGTCACTC[T>C]GAAAATCAGAAGCGGGCTGTGATGAGTCCAAAGCCACCCCCACCCCCTGCCCCTGCCTCA-3'

ClinVar aggregate classification (germline): Uncertain significance (1 of 4 stars; one submission).

Submission:

Labcorp Genetics (formerly Invitae), Labcorp
Classification: Uncertain significance. Last evaluated: 2025-04-11. Review status: criteria provided, single submitter. Criteria: Invitae Variant Classification Sherloc (09022015). Collection method: clinical testing. Allele origin: germline.
Comment: This sequence change affects an acceptor splice site in intron 30 of the CACNA2D4 gene. It is expected to disrupt RNA splicing. Variants that disrupt the donor or acceptor splice site typically lead to a loss of protein function (PMID: 16199547), however the current clinical and genetic evidence is not sufficient to establish whether loss-of-function variants in CACNA2D4 cause disease. This variant is not present in population databases (gnomAD no frequency). This variant has not been reported in the literature in individuals affected with CACNA2D4-related conditions. Algorithms developed to predict the effect of sequence changes on RNA splicing suggest that this variant may disrupt the consensus splice site. In summary, the available evidence is currently insufficient to determine the role of this variant in disease. Therefore, it has been classified as a Variant of Uncertain Significance.

Literature cited by the submitters: PubMed 16199547.